The following is an entry in ClinVar:

NM_014363.6(SACS):c.1706G>A (p.Trp569Ter)

Gene: SACS (sacsin molecular chaperone; minus strand). Cytogenetic location: 13q12.12.
Variant type: single nucleotide variant.
Coding change: c.1706G>A on transcript NM_014363.6 (MANE Select); coding-DNA position 1706, G replaced by A.
Protein change: p.Trp569Ter; replaces tryptophan 569 with a stop codon.
Molecular consequence: nonsense.
Genome position (GRCh38, 1-based): chr13:23,354,906, C>T on the plus strand (G>A on the coding strand, the complement: SACS is on the minus strand). VCF-style: chr13-23354906-C-T. GRCh37 (hg19) VCF-style: chr13-23929045-C-T.
Other names: c.1265G>A, p.Trp422Ter (NM_001278055.2); short protein forms W569*, W422*.
Identifiers: ClinVar variation 520634 (VCV000520634.8), dbSNP rs1555254256, ClinGen allele CA387547101.

ClinVar aggregate classification (germline): Pathogenic. Review status: criteria provided, multiple submitters, no conflicts (2 of 4 stars). 3 submissions from 3 submitters: Pathogenic (3). Last evaluated 2026-03-01.

Conditions:
Charlevoix-Saguenay spastic ataxia (SACS). Also called: SPASTIC ATAXIA 6, AUTOSOMAL RECESSIVE; Spastic ataxia of Charlevoix-Saguenay; AUTOSOMAL RECESSIVE SPASTIC ATAXIA OF CHARLEVOIX-SAGUENAY. Identifiers: Orphanet 98, MedGen C1849140, MONDO:0010041, OMIM 270550.
Inborn genetic diseases. Identifiers: MedGen C0950123, MeSH D030342.
Spastic paraplegia. Identifiers: MedGen C0037772, HP:0001258.

Submissions (3):

Myriad Genetics, Inc.
Classification: Pathogenic for Charlevoix-Saguenay spastic ataxia. Last evaluated: 2026-03-01. Review status: criteria provided, single submitter. Criteria: Myriad Autosomal Dominant, Autosomal Recessive and X-Linked Classification Criteria (2023). Collection method: clinical testing. Allele origin: unknown.
Comment: NM_014363.4(SACS):c.1706G>A(W569*) is expected to be pathogenic in the context of autosomal recessive spastic ataxia of Charlevoix-Saguenay. This variant is predicted to lead to an abnormal or absent protein product due to the creation of a premature termination codon in SACS, a gene where loss-of-function variants are known to be pathogenic. Please note: this variant was assessed in the context of healthy population screening.

Labcorp Genetics (formerly Invitae), Labcorp
Classification: Pathogenic for Spastic paraplegia. Last evaluated: 2023-10-04. Review status: criteria provided, single submitter. Criteria: Invitae Variant Classification Sherloc (09022015). Collection method: clinical testing. Allele origin: germline.
Comment: This sequence change creates a premature translational stop signal (p.Trp569*) in the SACS gene. It is expected to result in an absent or disrupted protein product. Loss-of-function variants in SACS are known to be pathogenic (PMID: 18465152, 20876471). This variant is not present in population databases (gnomAD no frequency). This variant has not been reported in the literature in individuals affected with SACS-related conditions. ClinVar contains an entry for this variant (Variation ID: 520634). For these reasons, this variant has been classified as Pathogenic.

Ambry Genetics
Classification: Pathogenic for Inborn genetic diseases. Last evaluated: 2015-02-17. Review status: criteria provided, single submitter. Criteria: Ambry exome assertion method (8-5-2015). Collection method: clinical testing. Allele origin: germline. Affected: yes. Observed: 1 variant allele.

Literature cited by the submitters: PubMed 18465152 (cited by Labcorp Genetics (formerly Invitae), Labcorp); PubMed 20876471 (cited by Labcorp Genetics (formerly Invitae), Labcorp).